The following is an entry in ClinVar:

ClinVar aggregate classification (germline): Pathogenic/Likely pathogenic. Review status: criteria provided, multiple submitters, no conflicts (2 of 4 stars). 9 submissions from 9 submitters: Pathogenic (8); Likely pathogenic (1). Last evaluated 2026-02-23.

Conditions:
Stickler syndrome. Identifiers: Orphanet 828, MedGen C0265253, MONDO:0019354.
Stickler syndrome type 1 (STL1). Also called: ARTHROOPHTHALMOPATHY, HEREDITARY PROGRESSIVE; STICKLER SYNDROME, MEMBRANOUS VITREOUS TYPE; STICKLER SYNDROME, VITREOUS TYPE 1; COL2A1-Related Stickler Syndrome. Identifiers: Orphanet 828, Orphanet 90653, MedGen C2020284, MONDO:0007160, OMIM 108300.
Stickler syndrome, type I, nonsyndromic ocular. Also called: STICKLER SYNDROME, TYPE I, PREDOMINANTLY OCULAR; STICKLER SYNDROME, ATYPICAL. Identifiers: MedGen C1836080, MONDO:0012287, OMIM 609508.
COL2A1-related disorder. Also called: COL2A1-related condition; COL2A1-related disorders.

Allele frequency attached by ClinVar (database versions not stated): TOPMed below 0.00001; gnomAD 0.00001.
gnomAD v4.1: 2 of 1,555,316 alleles (0.00013%); highest among the groups gnomAD compares: East Asian, 0.0024%; no homozygotes.

Submissions (9):

PreventionGenetics, part of Exact Sciences
Classification: Pathogenic for COL2A1-related condition. Last evaluated: 2026-02-23. Review status: criteria provided, single submitter. Criteria: ACMG Guidelines, 2015. Collection method: clinical testing. Allele origin: germline.
Comment: The COL2A1 c.2659C>T variant is predicted to result in premature protein termination (p.Arg887*). This variant, also described as Arg687* using legacy nomenclature, has been reported in multiple individuals with Stickler syndrome (Richards et al. 2006. PubMed ID: 16752401; Khan et al. 2021. PubMed ID: 33951325; Hoornaert et al. 2010. PubMed ID: 20179744). This variant is reported in 0.0085% of alleles in individuals of East Asian descent in gnomAD. Nonsense variants in COL2A1 are expected to be pathogenic. Taken together, this variant is interpreted as pathogenic.

Cambridge Genomics Laboratory, East Genomic Laboratory Hub, NHS Genomic Medicine Service
Classification: Pathogenic for Stickler syndrome. Last evaluated: 2026-02-16. Review status: criteria provided, single submitter. Criteria: ACGS Best Practice Guidelines for Variant Classification in Rare Disease 2020. Collection method: clinical testing. Allele origin: germline. Affected: yes.
Comment: PVS1,PS4_Moderate

Labcorp Genetics (formerly Invitae), Labcorp
Classification: Pathogenic. Last evaluated: 2025-10-31. Review status: criteria provided, single submitter. Criteria: Invitae Variant Classification Sherloc (09022015). Collection method: clinical testing. Allele origin: germline.
Comment: This sequence change creates a premature translational stop signal (p.Arg887*) in the COL2A1 gene. It is expected to result in an absent or disrupted protein product. Loss-of-function variants in COL2A1 are known to be pathogenic (PMID: 20179744). The frequency data for this variant in the population databases is considered unreliable, as metrics indicate poor data quality at this position in the gnomAD database. This premature translational stop signal has been observed in individuals with clinical features of Stickler syndrome (PMID: 16752401, 20179744). ClinVar contains an entry for this variant (Variation ID: 817513). For these reasons, this variant has been classified as Pathogenic.

GeneDx
Classification: Pathogenic. Last evaluated: 2024-10-23. Review status: criteria provided, single submitter. Criteria: GeneDx Variant Classification Process June 2021. Collection method: clinical testing. Allele origin: germline. Affected: yes.
Comment: Identified in patients with features of Stickler syndrome referred for genetic testing at GeneDx and in published literature (PMID: 16752401); Nonsense variant predicted to result in protein truncation or nonsense mediated decay in a gene for which loss of function is a known mechanism of disease; This variant is associated with the following publications: (PMID: 25525159, 33951325, 32574564, 16752401)

3billion
Classification: Pathogenic for COL2A1-related disorder. Last evaluated: 2024-07-05. Review status: criteria provided, single submitter. Criteria: ACMG Guidelines, 2015. Collection method: clinical testing. Allele origin: germline. Affected: yes.
Comment: The variant is observed at an extremely low frequency in the gnomAD v4.0.0 dataset (total allele frequency: <0.001%). Predicted Consequence/Location: Stop-gained (nonsense): predicted to result in a loss or disruption of normal protein function through nonsense-mediated decay (NMD) or protein truncation. Multiple pathogenic variants are reported downstream of the variant. The variant has been reported at least twice as pathogenic with clinical assertions and evidence for the classification (ClinVar ID: VCV000817513 /PMID: 16752401). Therefore, this variant is classified as Pathogenic according to the recommendation of ACMG/AMP guideline.

Neuberg Centre For Genomic Medicine, NCGM
Classification: Pathogenic for Stickler syndrome, type I, nonsyndromic ocular. Last evaluated: 2024-02-01. Review status: criteria provided, single submitter. Criteria: ACMG Guidelines, 2015. Collection method: clinical testing. Allele origin: germline. Inheritance: Autosomal dominant inheritance. Affected: yes.
Comment: The above variant has been reported previously in multiple individuals affected with Stickler syndrome and similar COL2A1- related disorders (Hoornaert KP, et al., 2010). This variant is predicted to cause loss of normal protein function through protein truncation. Loss of function variants in COL2A1 gene have been previously reported to be disease causing (Hoornaert KP, et al., 2010). For these reasons, this variant has been classified as Pathogenic.

Greenwood Genetic Center Diagnostic Laboratories, Greenwood Genetic Center
Classification: Pathogenic for Stickler syndrome type 1. Last evaluated: 2022-09-24. Review status: criteria provided, single submitter. Criteria: ACMG Guidelines, 2015. Collection method: clinical testing. Allele origin: germline. Affected: yes.
Comment: PVS1, PS4_Moderate, PM2

Blueprint Genetics
Classification: Pathogenic for COL2A1-related disorders. Last evaluated: 2022-03-23. Review status: criteria provided, single submitter. Criteria: ACMG Guidelines, 2015. Collection method: clinical testing. Allele origin: germline. Affected: yes. Observed: 3 variant alleles.

Revvity Omics, Revvity
Classification: Likely pathogenic. Last evaluated: 2022-03-07. Review status: criteria provided, single submitter. Criteria: ACMG Guidelines, 2015. Collection method: clinical testing. Allele origin: germline.

Literature cited by the submitters: PubMed 20179744 (cited by Labcorp Genetics (formerly Invitae), Labcorp); PubMed 16752401 (cited by Labcorp Genetics (formerly Invitae), Labcorp and 3billion).

NM_001844.5(COL2A1):c.2659C>T (p.Arg887Ter)

Gene: COL2A1 (collagen type II alpha 1 chain; minus strand). Cytogenetic location: 12q13.11.
Variant type: single nucleotide variant.
Coding change: c.2659C>T on transcript NM_001844.5 (MANE Select); coding-DNA position 2659, C replaced by T.
Protein change: p.Arg887Ter; replaces arginine 887 with a stop codon.
Molecular consequence: nonsense.
Genome position (GRCh38, 1-based): chr12:47,980,029, G>A on the plus strand (C>T on the coding strand, the complement: COL2A1 is on the minus strand). VCF-style: chr12-47980029-G-A. GRCh37 (hg19) VCF-style: chr12-48373812-G-A.
Other names: c.2452C>T, p.Arg818Ter (NM_033150.3); short protein forms R887*, R818*.
Identifiers: ClinVar variation 817513 (VCV000817513.18), dbSNP rs1399676515, ClinGen allele CA384544227.